The following is an entry in ClinVar:

NM_013432.5(TONSL):c.402G>C (p.Gln134His)

Gene: TONSL (tonsoku like, DNA repair protein; minus strand). Cytogenetic location: 8q24.3.
Variant type: single nucleotide variant.
Coding change: c.402G>C on transcript NM_013432.5 (MANE Select); coding-DNA position 402, G replaced by C.
Protein change: p.Gln134His; replaces glutamine 134 with histidine.
Molecular consequence: missense variant.
Genome position (GRCh38, 1-based): chr8:144,443,184, C>G on the plus strand (G>C on the coding strand, the complement: TONSL is on the minus strand). VCF-style: chr8-144443184-C-G. GRCh37 (hg19) VCF-style: chr8-145668567-C-G.
Other names: c.402G>C (NM_013432.4); short protein forms Q134H.
Identifiers: ClinVar variation 1396891 (VCV001396891.7), dbSNP rs201534052, ClinGen allele CA4943671.
Genomic context (GRCh38, chr8:144,443,184, plus strand): 5'-AGGGGTCTGCCCACCCTCCAGCTCCTCATCCACAATAGCCAAGCTCTTCTCAAAGGCAGC[C>G]TGTGCCTGCAGCAAAGCATCCCTCGACTGGCAGTGGTCATAGATGTCCAGGTGGGTGCGG-3'
Protein context (NP_038460.4, residues 124-144): CQSRDALLQA[Gln134His]AAFEKSLAIV

ClinVar aggregate classification (germline): Uncertain significance. Review status: criteria provided, multiple submitters, no conflicts (2 of 4 stars). 2 submissions from 2 submitters: Uncertain significance (2). Last evaluated 2025-01-20.

Conditions:
Inborn genetic diseases. Identifiers: MedGen C0950123, MeSH D030342.

Allele frequency attached by ClinVar (database versions not stated): gnomAD 0.00002 and 0.00003; gnomAD exomes 0.00003 and 0.00006; TOPMed 0.00006; ExAC 0.00009.

Submissions (2):

Ambry Genetics
Classification: Uncertain significance for Inborn genetic diseases. Last evaluated: 2025-01-20. Review status: criteria provided, single submitter. Criteria: Ambry Variant Classification Scheme 2023. Collection method: clinical testing. Allele origin: germline.

Labcorp Genetics (formerly Invitae), Labcorp
Classification: Uncertain significance. Last evaluated: 2022-08-31. Review status: criteria provided, single submitter. Criteria: Invitae Variant Classification Sherloc (09022015). Collection method: clinical testing. Allele origin: germline.
Comment: This sequence change replaces glutamine, which is neutral and polar, with histidine, which is basic and polar, at codon 134 of the TONSL protein (p.Gln134His). This variant is present in population databases (rs201534052, gnomAD 0.09%). This variant has not been reported in the literature in individuals affected with TONSL-related conditions. ClinVar contains an entry for this variant (Variation ID: 1396891). Algorithms developed to predict the effect of missense changes on protein structure and function are either unavailable or do not agree on the potential impact of this missense change (SIFT: "Deleterious"; PolyPhen-2: "Possibly Damaging"; Align-GVGD: "Class C0"). In summary, the available evidence is currently insufficient to determine the role of this variant in disease. Therefore, it has been classified as a Variant of Uncertain Significance.